The following is an entry in ClinVar:

NM_153252.5(BRWD3):c.3603G>C (p.Arg1201Ser)

Gene: BRWD3 (bromodomain and WD repeat domain containing 3; minus strand). Cytogenetic location: Xq21.1.
Variant type: single nucleotide variant.
Coding change: c.3603G>C on transcript NM_153252.5 (MANE Select); coding-DNA position 3603, G replaced by C.
Protein change: p.Arg1201Ser; replaces arginine 1201 with serine.
Molecular consequence: missense variant.
Genome position (GRCh38, 1-based): chrX:80,690,092, C>G on the plus strand (G>C on the coding strand, the complement: BRWD3 is on the minus strand). VCF-style: chrX-80690092-C-G. GRCh37 (hg19) VCF-style: chrX-79945591-C-G.
Other names: short protein forms R1201S.
Identifiers: ClinVar variation 3603101 (VCV003603101.1).

ClinVar aggregate classification (germline): Uncertain significance (1 of 4 stars; one submission).

Submission:

GeneDx
Classification: Uncertain significance. Last evaluated: 2024-08-07. Review status: criteria provided, single submitter. Criteria: GeneDx Variant Classification Process June 2021. Collection method: clinical testing. Allele origin: germline. Affected: yes.
Comment: Not observed at significant frequency in large population cohorts (gnomAD); In silico analysis supports that this missense variant has a deleterious effect on protein structure/function; In silico analysis supports a deleterious effect on splicing; Has not been previously published as pathogenic or benign to our knowledge